The following is an entry in ClinVar:

NM_000083.3(CLCN1):c.2136T>C (p.Asp712=)

Gene: CLCN1 (chloride voltage-gated channel 1; plus strand). Cytogenetic location: 7q34.
Variant type: single nucleotide variant.
Coding change: c.2136T>C on transcript NM_000083.3 (MANE Select); coding-DNA position 2136, T replaced by C.
Protein change: p.Asp712=; no amino-acid change (aspartic acid 712 retained).
Molecular consequence: synonymous variant. On other transcripts: non-coding transcript variant (1).
Genome position (GRCh38, 1-based): chr7:143,345,726, T>C. VCF-style: chr7-143345726-T-C. GRCh37 (hg19) VCF-style: chr7-143042819-T-C.
Other names: p.Asp712=.
Identifiers: ClinVar variation 359117 (VCV000359117.20), dbSNP rs73726622, ClinGen allele CA4537551.

ClinVar aggregate classification (germline): Benign/Likely benign. Review status: criteria provided, multiple submitters, no conflicts (2 of 4 stars). 7 submissions from 7 submitters: Benign (6); Likely benign (1). Last evaluated 2026-02-04.

Conditions:
Congenital myotonia, autosomal recessive form. Also called: BECKER DISEASE; myotonia congenita, autosomal recessive; Becker Generalized Myotonia. Identifiers: Orphanet 614, MedGen C0751360, MONDO:0009715, OMIM 255700.
Congenital myotonia, autosomal dominant form (THD). Also called: Myotonia congenita autosomal dominant; THOMSEN DISEASE. Identifiers: Orphanet 614, MedGen C2936781, MONDO:0008055, OMIM 160800.
Batten-Turner congenital myopathy. Also called: Myotonia congenita; Congenital myotonia. Identifiers: Orphanet 206973, MedGen C0027127, MONDO:0100468, OMIM 255300.

Allele frequency attached by ClinVar (database versions not stated): gnomAD exomes 0.00106 and 0.00262; ExAC 0.00683; ESP Exome Variant Server 0.00783; gnomAD 0.00855 and 0.00916; TOPMed 0.00968; 1000 Genomes Project 30x 0.01093; 1000 Genomes Project 0.01098.
gnomAD v4.1: 2,914 of 1,587,048 alleles (0.18%); highest among the groups gnomAD compares: African/African-American, 2.9%; 31 homozygotes.

Submissions (7):

Labcorp Genetics (formerly Invitae), Labcorp
Classification: Benign for Congenital myotonia, autosomal recessive form; Congenital myotonia, autosomal dominant form. Last evaluated: 2026-02-04. Review status: criteria provided, single submitter. Criteria: Invitae Variant Classification Sherloc (09022015). Collection method: clinical testing. Allele origin: germline.

Mayo Clinic Laboratories, Mayo Clinic
Classification: Benign. Last evaluated: 2025-02-06. Review status: criteria provided, single submitter. Criteria: ACMG Guidelines, 2015. Collection method: clinical testing. Allele origin: germline. Observed: 3 variant alleles.
Comment: BA1

Athena Diagnostics
Classification: Benign. Last evaluated: 2023-12-29. Review status: criteria provided, single submitter. Criteria: Athena Diagnostics Criteria. Collection method: clinical testing. Allele origin: unknown.

Fulgent Genetics
Classification: Likely benign for Congenital myotonia, autosomal dominant form; Congenital myotonia, autosomal recessive form. Last evaluated: 2021-11-02. Review status: criteria provided, single submitter. Criteria: ACMG Guidelines, 2015. Collection method: clinical testing. Allele origin: unknown.

Illumina Laboratory Services, Illumina
Classification: Benign for Myotonia congenita. Last evaluated: 2018-01-12. Review status: criteria provided, single submitter. Criteria: ICSL Variant Classification Criteria 13 December 2019. Collection method: clinical testing. Allele origin: germline.
Comment: This variant was observed in the ICSL laboratory as part of a predisposition screen in an ostensibly healthy population. It had not been previously curated by ICSL or reported in the Human Gene Mutation Database (HGMD: prior to June 1st, 2018), and was therefore a candidate for classification through an automated scoring system. Utilizing variant allele frequency, disease prevalence and penetrance estimates, and inheritance mode, an automated score was calculated to assess if this variant is too frequent to cause the disease. Based on the score and internal cut-off values, a variant classified as benign is not then subjected to further curation. The score for this variant resulted in a classification of benign for this disease.

GeneDx
Classification: Benign. Last evaluated: 2016-08-26. Review status: criteria provided, single submitter. Criteria: GeneDx Variant Classification (06012015). Collection method: clinical testing. Allele origin: germline. Affected: yes.
Comment: This variant is considered likely benign or benign based on one or more of the following criteria: it is a conservative change, it occurs at a poorly conserved position in the protein, it is predicted to be benign by multiple in silico algorithms, and/or has population frequency not consistent with disease.

Breakthrough Genomics
Classification: Benign. Review status: criteria provided, single submitter. Criteria: ACMG Guidelines, 2015. Collection method: not provided. Allele origin: germline. Inheritance: Autosomal recessive inheritance. Affected: yes.

Literature cited by the submitters: PubMed 31054297 (cited by Athena Diagnostics).